The following is an entry in ClinVar:

NM_001083962.2(TCF4):c.256G>A (p.Gly86Arg)

Genes: TCF4 (transcription factor 4; minus strand), TCF4-AS1 (TCF4 antisense RNA 1; plus strand). Cytogenetic location: 18q21.2.
Variant type: single nucleotide variant.
Coding change: c.256G>A on transcript NM_001083962.2 (MANE Select); coding-DNA position 256, G replaced by A.
Protein change: p.Gly86Arg; replaces glycine 86 with arginine.
Molecular consequence: missense variant.
Genome position (GRCh38, 1-based): chr18:55,461,067, C>T on the plus strand (G>A on the coding strand, the complement: TCF4 is on the minus strand). VCF-style: chr18-55461067-C-T. GRCh37 (hg19) VCF-style: chr18-53128298-C-T.
Other names: c.562G>A, p.Gly188Arg (NM_001243226.3); c.184G>A, p.Gly62Arg (NM_001243227.2, NM_001306207.1, NM_001348217.1 and 15 more transcripts); c.256G>A, p.Gly86Arg (NM_001243228.2, NM_001330604.3, NM_001369567.1 and 8 more transcripts); c.250G>A, p.Gly84Arg (NM_001243230.2); c.130G>A, p.Gly44Arg (NM_001243231.2, NM_001348211.2); short protein forms G188R, G44R, G62R, G84R, G86R.
Identifiers: ClinVar variation 3356974 (VCV003356974.1).

ClinVar aggregate classification (germline): Uncertain significance (0 of 4 stars; one submission).

Conditions:
TCF4-related disorder. Also called: TCF4-related condition.

Submission:

PreventionGenetics, part of Exact Sciences
Classification: Uncertain significance for TCF4-related condition. Last evaluated: 2024-08-23. Review status: no assertion criteria provided. Collection method: clinical testing. Allele origin: germline.
Comment: The TCF4 c.256G>A variant is predicted to result in the amino acid substitution p.Gly86Arg. To our knowledge, this variant has not been reported in the literature or in a large population database, indicating this variant is rare. At this time, the clinical significance of this variant is uncertain due to the absence of conclusive functional and genetic evidence.